The following is an entry in ClinVar:

ClinVar aggregate classification (germline): Uncertain significance (1 of 4 stars; one submission).

Conditions:
Hereditary cancer-predisposing syndrome. Also called: Tumor predisposition; Hereditary neoplastic syndrome; Neoplastic Syndromes, Hereditary; Hereditary Cancer Syndrome. Identifiers: Orphanet 140162, MedGen C0027672, MeSH D009386, MONDO:0015356.

Submission:

Ambry Genetics
Classification: Uncertain significance for Hereditary cancer-predisposing syndrome. Last evaluated: 2025-03-19. Review status: criteria provided, single submitter. Criteria: Ambry Variant Classification Scheme 2023. Collection method: clinical testing. Allele origin: germline.
Comment: The p.P509H variant (also known as c.1526C>A), located in coding exon 13 of the CHEK2 gene, results from a C to A substitution at nucleotide position 1526. The proline at codon 509 is replaced by histidine, an amino acid with similar properties. This amino acid position is not well conserved in available vertebrate species. In addition, this alteration is predicted to be tolerated by in silico analysis. Based on the available evidence, the clinical significance of this variant remains unclear.

NM_007194.4(CHEK2):c.1526C>A (p.Pro509His)

Gene: CHEK2 (checkpoint kinase 2; minus strand). Cytogenetic location: 22q12.1.
Variant type: single nucleotide variant.
Coding change: c.1526C>A on transcript NM_007194.4 (MANE Select); coding-DNA position 1526, C replaced by A.
Protein change: p.Pro509His; replaces proline 509 with histidine.
Molecular consequence: missense variant.
Genome position (GRCh38, 1-based): chr22:28,689,151, G>T on the plus strand (C>A on the coding strand, the complement: CHEK2 is on the minus strand). VCF-style: chr22-28689151-G-T. GRCh37 (hg19) VCF-style: chr22-29085139-G-T.
Other names: c.1655C>A, p.Pro552His (NM_001005735.3); c.863C>A, p.Pro288His (NM_001257387.3); c.1325C>A, p.Pro442His (NM_001349956.3); c.1439C>A, p.Pro480His (NM_145862.3); short protein forms P442H, P480H, P509H, P288H, P552H.
Identifiers: ClinVar variation 4002249 (VCV004002249.1).